The following is an entry in ClinVar:

NM_001105206.3(LAMA4):c.53G>C (p.Ser18Thr)

Genes: LAMA4 (laminin subunit alpha 4; minus strand), LAMA4-AS1 (LAMA4 antisense RNA 1; plus strand). Cytogenetic location: 6q21.
Variant type: single nucleotide variant.
Coding change: c.53G>C on transcript NM_001105206.3 (MANE Select); coding-DNA position 53, G replaced by C.
Protein change: p.Ser18Thr; replaces serine 18 with threonine.
Molecular consequence: missense variant.
Genome position (GRCh38, 1-based): chr6:112,254,098, C>G on the plus strand (G>C on the coding strand, the complement: LAMA4 is on the minus strand). VCF-style: chr6-112254098-C-G. GRCh37 (hg19) VCF-style: chr6-112575300-C-G.
Other names: c.53G>C, p.Ser18Thr (NM_001105207.3, NM_001105208.3, NM_001105209.3 and 1 more transcripts); short protein forms S18T.
Identifiers: ClinVar variation 4727820 (VCV004727820.1).

ClinVar aggregate classification (germline): Uncertain significance (1 of 4 stars; one submission).

Conditions:
Dilated cardiomyopathy 1JJ (CMD1JJ). Identifiers: Orphanet 154, MedGen C3808935, MONDO:0014095, OMIM 615235.

gnomAD v4.1: 1 of 1,612,564 alleles (0.000062%); highest among the groups gnomAD compares: Non-Finnish European, 0.000085%; no homozygotes.

Submission:

Labcorp Genetics (formerly Invitae), Labcorp
Classification: Uncertain significance for Dilated cardiomyopathy 1JJ. Last evaluated: 2025-09-24. Review status: criteria provided, single submitter. Criteria: Invitae Variant Classification Sherloc (09022015). Collection method: clinical testing. Allele origin: germline.
Comment: This sequence change replaces serine, which is neutral and polar, with threonine, which is neutral and polar, at codon 18 of the LAMA4 protein (p.Ser18Thr). This variant is not present in population databases (gnomAD no frequency). This variant has not been reported in the literature in individuals affected with LAMA4-related conditions. An algorithm developed to predict the effect of missense changes on protein structure and function (PolyPhen-2) suggests that this variant is likely to be tolerated. In summary, the available evidence is currently insufficient to determine the role of this variant in disease. Therefore, it has been classified as a Variant of Uncertain Significance.